The following is an entry in ClinVar:

ClinVar aggregate classification (germline): Uncertain significance. Review status: criteria provided, multiple submitters, no conflicts (2 of 4 stars). 3 submissions from 3 submitters: Uncertain significance (3). Last evaluated 2025-08-17.

Conditions:
Cardiovascular phenotype. Identifiers: MedGen CN230736.
Dilated cardiomyopathy 1W (CMD1W). Identifiers: Orphanet 154, MedGen C1969639, MONDO:0012667, OMIM 611407.

Allele frequency attached by ClinVar (database versions not stated): gnomAD exomes below 0.00001.
gnomAD v4.1: 1 of 1,613,990 alleles (0.000062%); highest among the groups gnomAD compares: South Asian, 0.0011%; no homozygotes.

Submissions (3):

Labcorp Genetics (formerly Invitae), Labcorp
Classification: Uncertain significance for Dilated cardiomyopathy 1W. Last evaluated: 2025-08-17. Review status: criteria provided, single submitter. Criteria: Invitae Variant Classification Sherloc (09022015). Collection method: clinical testing. Allele origin: germline.
Comment: This sequence change replaces aspartic acid, which is acidic and polar, with asparagine, which is neutral and polar, at codon 704 of the VCL protein (p.Asp704Asn). This variant is not present in population databases (gnomAD no frequency). This variant has not been reported in the literature in individuals affected with VCL-related conditions. ClinVar contains an entry for this variant (Variation ID: 849033). An algorithm developed to predict the effect of missense changes on protein structure and function (PolyPhen-2) suggests that this variant is likely to be disruptive. In summary, the available evidence is currently insufficient to determine the role of this variant in disease. Therefore, it has been classified as a Variant of Uncertain Significance.

Ambry Genetics
Classification: Uncertain significance for Cardiovascular phenotype. Last evaluated: 2025-04-19. Review status: criteria provided, single submitter. Criteria: Ambry Variant Classification Scheme 2023. Collection method: clinical testing. Allele origin: germline.

Illumina Laboratory Services, Illumina
Classification: Uncertain significance for Dilated cardiomyopathy 1W. Last evaluated: 2017-04-27. Review status: criteria provided, single submitter. Criteria: ICSL Variant Classification Criteria 13 December 2019. Collection method: clinical testing. Allele origin: germline.

NM_014000.3(VCL):c.2110G>A (p.Asp704Asn)

Gene: VCL (vinculin; plus strand). Cytogenetic location: 10q22.2.
Variant type: single nucleotide variant.
Coding change: c.2110G>A on transcript NM_014000.3 (MANE Select); coding-DNA position 2110, G replaced by A.
Protein change: p.Asp704Asn; replaces aspartic acid 704 with asparagine.
Molecular consequence: missense variant.
Genome position (GRCh38, 1-based): chr10:74,103,907, G>A. VCF-style: chr10-74103907-G-A. GRCh37 (hg19) VCF-style: chr10-75863665-G-A.
Other names: c.2110G>A, p.Asp704Asn (NM_003373.4); short protein forms D704N.
Identifiers: ClinVar variation 849033 (VCV000849033.13), dbSNP rs1840094833, ClinGen allele CA377261388.